The following is an entry in ClinVar:

NM_000257.4(MYH7):c.2189T>A (p.Ile730Asn)

Gene: MYH7 (myosin heavy chain 7; minus strand). Cytogenetic location: 14q11.2.
Variant type: single nucleotide variant.
Coding change: c.2189T>A on transcript NM_000257.4 (MANE Select); coding-DNA position 2189, T replaced by A.
Protein change: p.Ile730Asn; replaces isoleucine 730 with asparagine.
Molecular consequence: missense variant.
Genome position (GRCh38, 1-based): chr14:23,425,792, A>T on the plus strand (T>A on the coding strand, the complement: MYH7 is on the minus strand). VCF-style: chr14-23425792-A-T. GRCh37 (hg19) VCF-style: chr14-23895001-A-T.
Other names: short protein forms I730N.
Identifiers: ClinVar variation 1476905 (VCV001476905.6), dbSNP rs1060501448, ClinGen allele CA389048944.

ClinVar aggregate classification (germline): Likely pathogenic (1 of 4 stars; one submission).

Conditions:
Hypertrophic cardiomyopathy. Also called: HYPERTROPHIC MYOCARDIOPATHY. Identifiers: Orphanet 217569, MedGen C0007194, MeSH D002312, MONDO:0005045, HP:0001639.

Submission:

Labcorp Genetics (formerly Invitae), Labcorp
Classification: Likely pathogenic for Hypertrophic cardiomyopathy. Last evaluated: 2021-11-24. Review status: criteria provided, single submitter. Criteria: Invitae Variant Classification Sherloc (09022015). Collection method: clinical testing. Allele origin: germline.
Comment: In summary, the currently available evidence indicates that the variant is pathogenic, but additional data are needed to prove that conclusively. Therefore, this variant has been classified as Likely Pathogenic. This variant is found within a region of MYH7 between codons 181 and 937 that contains the majority of the myosin head domain. Missense variants in this region have been shown to be significantly overrepresented in individuals with hypertrophic cardiomyopathy (PMID: 27532257). Algorithms developed to predict the effect of missense changes on protein structure and function (SIFT, PolyPhen-2, Align-GVGD) all suggest that this variant is likely to be disruptive. This missense change has been observed in individuals with hypertrophic cardiomyopathy (PMID: 25935763; Invitae). It has also been observed to segregate with disease in related individuals. This variant is not present in population databases (gnomAD no frequency). This sequence change replaces isoleucine, which is neutral and non-polar, with asparagine, which is neutral and polar, at codon 730 of the MYH7 protein (p.Ile730Asn).

Literature cited by the submitters: PubMed 27532257; PubMed 25935763.